The following is an entry in ClinVar:

NM_001378454.1(ALMS1):c.8393T>G (p.Leu2798Ter)

Gene: ALMS1 (ALMS1 centrosome and basal body associated protein; plus strand). Cytogenetic location: 2p13.1.
Variant type: single nucleotide variant.
Coding change: c.8393T>G on transcript NM_001378454.1 (MANE Select); coding-DNA position 8393, T replaced by G.
Protein change: p.Leu2798Ter; replaces leucine 2798 with a stop codon.
Molecular consequence: nonsense.
Genome position (GRCh38, 1-based): chr2:73,490,352, T>G. VCF-style: chr2-73490352-T-G. GRCh37 (hg19) VCF-style: chr2-73717479-T-G.
Other names: c.8396T>G, p.Leu2799Ter (NM_015120.4); short protein forms L2799*, L2798*.
Identifiers: ClinVar variation 3658406 (VCV003658406.2).

ClinVar aggregate classification (germline): Pathogenic (1 of 4 stars; one submission).

Conditions:
Alstrom syndrome (ALMS). Identifiers: Orphanet 64, MedGen C0268425, MONDO:0008763, OMIM 203800.

Submission:

Labcorp Genetics (formerly Invitae), Labcorp
Classification: Pathogenic for Alstrom syndrome. Last evaluated: 2024-07-01. Review status: criteria provided, single submitter. Criteria: Invitae Variant Classification Sherloc (09022015). Collection method: clinical testing. Allele origin: germline.
Comment: This sequence change creates a premature translational stop signal (p.Leu2799*) in the ALMS1 gene. It is expected to result in an absent or disrupted protein product. Loss-of-function variants in ALMS1 are known to be pathogenic (PMID: 17594715). This variant is not present in population databases (gnomAD no frequency). This variant has not been reported in the literature in individuals affected with ALMS1-related conditions. For these reasons, this variant has been classified as Pathogenic.

Literature cited by the submitters: PubMed 17594715.